The following is an entry in ClinVar:

NM_005499.3(UBA2):c.119G>A (p.Gly40Asp)

Genes: UBA2 (ubiquitin like modifier activating enzyme 2; plus strand), LOC130064191 (ATAC-STARR-seq lymphoblastoid silent region 10503; plus strand). Cytogenetic location: 19q13.11.
Variant type: single nucleotide variant.
Coding change: c.119G>A on transcript NM_005499.3 (MANE Select); coding-DNA position 119, G replaced by A.
Protein change: p.Gly40Asp; replaces glycine 40 with aspartic acid.
Molecular consequence: missense variant. On other transcripts: 5 prime UTR variant (1).
Genome position (GRCh38, 1-based): chr19:34,428,551, G>A. VCF-style: chr19-34428551-G-A. GRCh37 (hg19) VCF-style: chr19-34919456-G-A.
Other names: c.-264G>A (NM_001411139.1); short protein forms G40D.
Identifiers: ClinVar variation 4886083 (VCV004886083.2).

ClinVar aggregate classification (germline): Uncertain significance (1 of 4 stars; one submission).

Submission:

Dasa
Classification: Uncertain significance. Last evaluated: 2025-05-20. Review status: criteria provided, single submitter. Criteria: DASA Assertion Criteria. Collection method: clinical testing. Allele origin: germline.
Comment: NM_005499.3(UBA2):c.119G>A (p.Gly40Asp) is a missense variant that results in the substitution of glycine with aspartic acid. This variant is absent from population databases. Computational prediction algorithms are consistent with a deleterious effect. The currently available literature and clinical evidence are not sufficient to establish a definitive association between this variant and the reported condition. Therefore, this variant is classified as a variant of uncertain significance.